The following is an entry in ClinVar:

NM_001457.4(FLNB):c.1610+2_1610+4del

Gene: FLNB (filamin B; plus strand). Cytogenetic location: 3p14.3.
Variant type: Deletion.
Coding change: c.1610+2_1610+4del on transcript NM_001457.4 (MANE Select); the canonical splice donor site of the intron after coding-DNA position 1610 through 4 bases into the intron after coding-DNA position 1610, 3 bases deleted (TGA; older notation c.1610+2_1610+4delTGA).
Molecular consequence: splice donor variant.
Genome position (GRCh38, 1-based): chr3:58,104,087-58,104,089, TGA deleted. VCF-style (leftmost placement, unchanged base first): chr3-58104086-GTGA-G. GRCh37 (hg19) VCF-style: chr3-58089813-GTGA-G.
Other names: c.1610+2_1610+4del (NM_001164317.2, NM_001164318.2, NM_001164319.2).
Identifiers: ClinVar variation 2709746 (VCV002709746.3), dbSNP rs2471069909, ClinGen allele CA2697556739.

ClinVar aggregate classification (germline): Likely pathogenic (1 of 4 stars; one submission).

Submission:

Labcorp Genetics (formerly Invitae), Labcorp
Classification: Likely pathogenic. Last evaluated: 2025-01-07. Review status: criteria provided, single submitter. Criteria: Invitae Variant Classification Sherloc (09022015). Collection method: clinical testing. Allele origin: germline.
Comment: This sequence change affects a splice site in intron 10 of the FLNB gene. It is expected to disrupt RNA splicing. Variants that disrupt the donor or acceptor splice site typically lead to a loss of protein function (PMID: 16199547), and loss-of-function variants in FLNB are known to be pathogenic (PMID: 14991055). This variant is not present in population databases (gnomAD no frequency). This variant has not been reported in the literature in individuals affected with FLNB-related conditions. ClinVar contains an entry for this variant (Variation ID: 2709746). Algorithms developed to predict the effect of sequence changes on RNA splicing suggest that this variant may disrupt the consensus splice site. In summary, the currently available evidence indicates that the variant is pathogenic, but additional data are needed to prove that conclusively. Therefore, this variant has been classified as Likely Pathogenic.

Literature cited by the submitters: PubMed 16199547; PubMed 14991055.